The following is an entry in ClinVar:

NM_000642.3(AGL):c.1284-4A>G

Gene: AGL (amylo-alpha-1,6-glucosidase and 4-alpha-glucanotransferase; plus strand). Cytogenetic location: 1p21.2.
Variant type: single nucleotide variant.
Coding change: c.1284-4A>G on transcript NM_000642.3 (MANE Select); 4 bases into the intron before coding-DNA position 1284, A replaced by G.
Molecular consequence: intron variant.
Genome position (GRCh38, 1-based): chr1:99,876,454, A>G. VCF-style: chr1-99876454-A-G. GRCh37 (hg19) VCF-style: chr1-100342010-A-G.
Other names: c.1284-4A>G (NM_000643.3, NM_000644.3, NM_001425326.1 and 2 more transcripts); c.1236-4A>G (NM_000646.3); c.1083-4A>G (NM_001425327.1); c.1080-4A>G (NM_001425328.1, NM_001425329.1); c.906-4A>G (NM_001425332.1).
Identifiers: ClinVar variation 456453 (VCV000456453.21), dbSNP rs372612377, ClinGen allele CA966456.

ClinVar aggregate classification (germline): Likely benign. Review status: criteria provided, multiple submitters, no conflicts (2 of 4 stars). 6 submissions from 6 submitters: Likely benign (5). 1 of the submissions does not count toward it. Last evaluated 2026-01-26.

Conditions:
AGL-related disorder. Also called: AGL-related condition.
Glycogen storage disease type III (GSD3). Also called: Cori disease; FORBES DISEASE. Identifiers: Orphanet 366, MedGen C0017922, MONDO:0009291, OMIM 232400.

Allele frequency attached by ClinVar (database versions not stated): gnomAD 0.00009 and 0.00010; gnomAD exomes 0.00015; TOPMed 0.00018; ExAC 0.00027.
gnomAD v4.1: 107 of 1,568,282 alleles (0.0068%); highest among the groups gnomAD compares: East Asian, 0.12%; 1 homozygote.

Submissions (6):

Labcorp Genetics (formerly Invitae), Labcorp
Classification: Likely benign for Glycogen storage disease type III. Last evaluated: 2026-01-26. Review status: criteria provided, single submitter. Criteria: Invitae Variant Classification Sherloc (09022015). Collection method: clinical testing. Allele origin: germline.

Blueprint Genetics
Classification: Likely benign. Last evaluated: 2024-06-28. Review status: criteria provided, single submitter. Criteria: ACMG Guidelines, 2015. Collection method: clinical testing. Allele origin: germline.

Genome-Nilou Lab
Classification: Likely benign for Glycogen storage disease type III. Last evaluated: 2023-04-11. Review status: criteria provided, single submitter. Criteria: ACMG Guidelines, 2015. Collection method: clinical testing. Allele origin: germline. Affected: no.

ARUP Laboratories, Molecular Genetics and Genomics, ARUP Laboratories
Classification: Likely benign. Last evaluated: 2022-03-09. Review status: criteria provided, single submitter. Criteria: ARUP Molecular Germline Variant Investigation Process 2021. Collection method: clinical testing. Allele origin: germline.

GeneDx
Classification: Likely benign. Last evaluated: 2021-03-04. Review status: criteria provided, single submitter. Criteria: GeneDx Variant Classification Process June 2021. Collection method: clinical testing. Allele origin: germline. Affected: yes.

PreventionGenetics, part of Exact Sciences
Classification: Likely benign for AGL-related condition. Last evaluated: 2022-02-08. Review status: no assertion criteria provided. Collection method: clinical testing. Allele origin: germline. Not counted in ClinVar's aggregate classification.
Comment: This variant is classified as likely benign based on ACMG/AMP sequence variant interpretation guidelines (Richards et al. 2015 PMID: 25741868, with internal and published modifications).